The following is an entry in ClinVar:

ClinVar aggregate classification (germline): Conflicting classifications of pathogenicity. Review status: criteria provided, conflicting classifications (1 of 4 stars). 10 submissions from 8 submitters: Uncertain significance (8); Uncertain risk allele (1); Benign (1). Last evaluated 2025-12-10.

Conditions:
Monogenic diabetes. Identifiers: Orphanet 183625, MedGen C3888631, MONDO:0015967.
Inborn genetic diseases. Identifiers: MedGen C0950123, MeSH D030342.
Insulin-resistant diabetes mellitus AND acanthosis nigricans. Also called: type A insulin resistance; Insulin-resistance syndrome type A; DIABETES MELLITUS, INSULIN-RESISTANT, WITH ACANTHOSIS NIGRICANS, TYPE A; INSULIN RECEPTOR, DEFECT IN, WITH INSULIN-RESISTANT DIABETES MELLITUS AND ACANTHOSIS NIGRICANS; IRAN, TYPE A. Identifiers: Orphanet 2297, MedGen C0342278, MONDO:0012520, OMIM 610549.
Leprechaunism syndrome. Also called: Donohue syndrome; LEPRECHAUNISM. Identifiers: Orphanet 508, MedGen C0265344, MONDO:0009517, OMIM 246200.
Rabson-Mendenhall syndrome. Also called: Pineal hyperplasia AND diabetes mellitus syndrome; MENDENHALL SYNDROME; Pineal Hyperplasia, Insulin-Resistant Diabetes Mellitus, and Somatic Abnormalities. Identifiers: Orphanet 769, MedGen C0271695, MONDO:0009874, OMIM 262190.
Hyperinsulinism due to INSR deficiency. Also called: Hyperinsulinism due to glutamodehydrogenase deficiency. Identifiers: Orphanet 263458, MedGen C1864952, MONDO:0012381, OMIM 609968.

Allele frequency attached by ClinVar (database versions not stated): gnomAD exomes 0.00024 and 0.00039; ExAC 0.00029; gnomAD 0.00047 and 0.00053; 1000 Genomes Project 30x 0.00062; TOPMed 0.00063.
gnomAD v4.1: 511 of 1,262,826 alleles (0.04%); highest among the groups gnomAD compares: Admixed American, 0.11%; 1 homozygote.

Submissions (10):

Labcorp Genetics (formerly Invitae), Labcorp
Classification: Benign. Last evaluated: 2025-12-10. Review status: criteria provided, single submitter. Criteria: Invitae Variant Classification Sherloc (09022015). Collection method: clinical testing. Allele origin: germline.

Blueprint Genetics
Classification: Uncertain significance. Last evaluated: 2024-11-13. Review status: criteria provided, single submitter. Criteria: ACMG Guidelines, 2015. Collection method: clinical testing. Allele origin: germline.

Ambry Genetics
Classification: Uncertain significance for Inborn genetic diseases. Last evaluated: 2022-09-14. Review status: criteria provided, single submitter. Criteria: Ambry Variant Classification Scheme 2023. Collection method: clinical testing. Allele origin: germline.

Personalized Diabetes Medicine Program, University of Maryland School of Medicine
Classification: Uncertain significance for Monogenic diabetes. Last evaluated: 2018-04-09. Review status: criteria provided, single submitter. Criteria: ACMG Guidelines, 2015. Collection method: research. Allele origin: unknown. Observed: 3 variant alleles, 3 heterozygotes.
Comment: ACMG criteria: PP3 (4 predictors), BP4 (5 predictors), called VUS in ClinVar by Illumina, Emory and GeneDx, (PM1) residue 14 is within the signal peptide (PMIDs: 8257688, 2983222, 2211730), REVEL 0.52=VUS

Illumina Laboratory Services, Illumina
Classification: Uncertain significance for Insulin-resistant diabetes mellitus AND acanthosis nigricans. Last evaluated: 2018-01-12. Review status: criteria provided, single submitter. Criteria: ICSL Variant Classification Criteria 13 December 2019. Collection method: clinical testing. Allele origin: germline.

Illumina Laboratory Services, Illumina
Classification: Uncertain significance for Rabson-Mendenhall syndrome. Last evaluated: 2018-01-12. Review status: criteria provided, single submitter. Criteria: ICSL Variant Classification Criteria 13 December 2019. Collection method: clinical testing. Allele origin: germline.

Illumina Laboratory Services, Illumina
Classification: Uncertain significance for Leprechaunism syndrome. Last evaluated: 2018-01-12. Review status: criteria provided, single submitter. Criteria: ICSL Variant Classification Criteria 13 December 2019. Collection method: clinical testing. Allele origin: germline.

Eurofins Ntd Llc (ga)
Classification: Uncertain significance. Last evaluated: 2017-05-17. Review status: criteria provided, single submitter. Criteria: EGL Classification Definitions 2015. Collection method: clinical testing. Allele origin: germline. Observed: 3 variant alleles, 2 heterozygotes, 1 homozygote.

GeneDx
Classification: Uncertain significance. Last evaluated: 2017-02-21. Review status: criteria provided, single submitter. Criteria: GeneDx Variant Classification (06012015). Collection method: clinical testing. Allele origin: germline. Affected: yes.
Comment: The L14P variant in the INSR gene has not been reported previously as a pathogenic variant, nor as a benign variant, to our knowledge. The L14P variant is not observed at a significant frequency in large population cohorts; however, limited data are available (Lek et al., 2016; 1000 Genomes Consortium et al., 2015; Exome Variant Server). The L14P variant is a semi-conservative amino acid substitution, which may impact secondary protein structure as these residues differ in some properties. This substitution occurs at a position that is conserved across species. In silico analysis is inconsistent in its predictions as to whether or not the variant is damaging to the protein structure/function. We interpret L14P as a variant of uncertain significance.

Clinical Genomics, Uppaluri K&H Personalized Medicine Clinic
Classification: Uncertain risk allele for Hyperinsulinism due to INSR deficiency. Review status: criteria provided, single submitter. Criteria: K And H Uppaluri Personalized Medicine Clinic Variant Classification And Assertion Criteria Updated V 2. Collection method: research. Allele origin: unknown. Inheritance: Autosomal dominant inheritance.
Comment: Potent mutations in INSR gene can lead to insulin resistance, which presents as impaired glucose tolerance, early onset type 2 diabetes, post prandial hyperglycemia and increased insulin requirement in type 1 diabetes. These mutations in INSR gene can also predispose to coronary artery disease, metabolic syndrome, polycystic ovarian disease and non alcoholic fatty liver disease.However, the role of this particular variant rs745857330 with early onset diabetes mellitus is yet to be ascertained.

Literature cited by the submitters: PubMed 8257688 (cited by Personalized Diabetes Medicine Program, University of Maryland School of Medicine); PubMed 2983222 (cited by Personalized Diabetes Medicine Program, University of Maryland School of Medicine); PubMed 2211730 (cited by Personalized Diabetes Medicine Program, University of Maryland School of Medicine); PubMed 35000900 (cited by Clinical Genomics, Uppaluri K&H Personalized Medicine Clinic); PubMed 31989990 (cited by Clinical Genomics, Uppaluri K&H Personalized Medicine Clinic); PubMed 23705494 (cited by Clinical Genomics, Uppaluri K&H Personalized Medicine Clinic).

NM_000208.4(INSR):c.41T>C (p.Leu14Pro)

Gene: INSR (insulin receptor; minus strand). Cytogenetic location: 19p13.2.
Variant type: single nucleotide variant.
Coding change: c.41T>C on transcript NM_000208.4 (MANE Select); coding-DNA position 41, T replaced by C.
Protein change: p.Leu14Pro; replaces leucine 14 with proline.
Molecular consequence: missense variant.
Genome position (GRCh38, 1-based): chr19:7,293,851, A>G on the plus strand (T>C on the coding strand, the complement: INSR is on the minus strand). VCF-style: chr19-7293851-A-G. GRCh37 (hg19) VCF-style: chr19-7293862-A-G.
Other names: c.41T>C, p.Leu14Pro (NM_001079817.3); short protein forms L14P.
Identifiers: ClinVar variation 289211 (VCV000289211.20), dbSNP rs745857330, ClinGen allele CA9136191.
Genomic context (GRCh38, chr19:7,293,851, plus strand): 5'-CCCTCTCCGGGGTACAGGTGGCCCGCGGCGCCCAGTAGCAGCGCGGCCACCGCCACCAGC[A>G]GCGGCGCGGCCGCCGCCCCCCGCCGGCCCCCGGTGGCCATGGCTGCGGGAGCGCGGGGTC-3'
Protein context (NP_000199.2, residues 4-24): GGRRGAAAAP[Leu14Pro]LVAVAALLLG